The following is an entry in ClinVar:

ClinVar aggregate classification (germline): Uncertain significance. Review status: criteria provided, multiple submitters, no conflicts (2 of 4 stars). 2 submissions from 2 submitters: Uncertain significance (2). Last evaluated 2025-07-14.

Conditions:
Neuronal ceroid lipofuscinosis 1 (CLN1). Also called: CEROID LIPOFUSCINOSIS, NEURONAL, 1, VARIABLE AGE AT ONSET; PPT1-Related Neuronal Ceroid-Lipofuscinosis. Identifiers: Orphanet 228329, MedGen C1850451, MONDO:0009744, OMIM 256730.

Allele frequency attached by ClinVar (database versions not stated): gnomAD exomes below 0.00001.
gnomAD v4.1: 1 of 1,614,046 alleles (0.000062%); highest among the groups gnomAD compares: Non-Finnish European, 0.000085%; no homozygotes.

Submissions (2):

Labcorp Genetics (formerly Invitae), Labcorp
Classification: Uncertain significance for Neuronal ceroid lipofuscinosis 1. Last evaluated: 2025-07-14. Review status: criteria provided, single submitter. Criteria: Invitae Variant Classification Sherloc (09022015). Collection method: clinical testing. Allele origin: germline.
Comment: This sequence change replaces tyrosine, which is neutral and polar, with histidine, which is basic and polar, at codon 195 of the PPT1 protein (p.Tyr195His). This variant is not present in population databases (gnomAD no frequency). This variant has not been reported in the literature in individuals affected with PPT1-related conditions. ClinVar contains an entry for this variant (Variation ID: 1691870). Invitae Evidence Modeling of protein sequence and biophysical properties (such as structural, functional, and spatial information, amino acid conservation, physicochemical variation, residue mobility, and thermodynamic stability) indicates that this missense variant is expected to disrupt PPT1 protein function with a positive predictive value of 95%. In summary, the available evidence is currently insufficient to determine the role of this variant in disease. Therefore, it has been classified as a Variant of Uncertain Significance.

Institute of Human Genetics, University of Leipzig Medical Center
Classification: Uncertain significance for Neuronal ceroid lipofuscinosis 1. Last evaluated: 2023-09-04. Review status: criteria provided, single submitter. Criteria: ACMG Guidelines, 2015. Collection method: clinical testing. Allele origin: maternal. Inheritance: Autosomal recessive inheritance. Affected: yes.
Comment: Criteria applied: PM2_SUP,PP3

NM_000310.4(PPT1):c.583T>C (p.Tyr195His)

Gene: PPT1 (palmitoyl-protein thioesterase 1; minus strand). Cytogenetic location: 1p34.2.
Variant type: single nucleotide variant.
Coding change: c.583T>C on transcript NM_000310.4 (MANE Select); coding-DNA position 583, T replaced by C.
Protein change: p.Tyr195His; replaces tyrosine 195 with histidine.
Molecular consequence: missense variant.
Genome position (GRCh38, 1-based): chr1:40,080,441, A>G on the plus strand (T>C on the coding strand, the complement: PPT1 is on the minus strand). VCF-style: chr1-40080441-A-G. GRCh37 (hg19) VCF-style: chr1-40546113-A-G.
Other names: c.274T>C, p.Tyr92His (NM_001142604.2); c.583T>C, p.Tyr195His (NM_001363695.2); short protein forms Y195H, Y92H.
Identifiers: ClinVar variation 1691870 (VCV001691870.6), dbSNP rs1648869873, ClinGen allele CA339847740.